The following is an entry in ClinVar:

NM_016169.4(SUFU):c.910+8C>G

Gene: SUFU (SUFU negative regulator of hedgehog signaling; plus strand). Cytogenetic location: 10q24.32.
Variant type: single nucleotide variant.
Coding change: c.910+8C>G on transcript NM_016169.4 (MANE Select); 8 bases into the intron after coding-DNA position 910, C replaced by G.
Molecular consequence: intron variant.
Genome position (GRCh38, 1-based): chr10:102,597,301, C>G. VCF-style: chr10-102597301-C-G. GRCh37 (hg19) VCF-style: chr10-104357058-C-G.
Other names: c.910+8C>G (NM_016169.3, NM_001178133.2).
Identifiers: ClinVar variation 1081755 (VCV001081755.11), dbSNP rs1159461161, ClinGen allele CA659069331.

ClinVar aggregate classification (germline): Likely benign. Review status: criteria provided, single submitter (1 of 4 stars). 2 submissions from 2 submitters: Likely benign (1). 1 of the submissions does not count toward it. Last evaluated 2022-03-05.

Conditions:
SUFU-related disorder. Also called: SUFU-related condition; SUFU-related disorders.
Gorlin syndrome. Also called: Nevoid Basal Cell Carcinoma Syndrome; Basal cell nevus syndrome. Identifiers: Orphanet 377, MedGen C0004779, MONDO:0007187.
Medulloblastoma (MDB). Also called: Medulloblastoma, somatic; MEDULLOBLASTOMA PREDISPOSITION SYNDROME. Identifiers: Orphanet 616, MedGen C0025149, MeSH D008527, MONDO:0007959, OMIM 155255, HP:0002885.

Allele frequency attached by ClinVar (database versions not stated): TOPMed below 0.00001; gnomAD 0.00001; gnomAD exomes 0.00001.
gnomAD v4.1: 4 of 1,611,040 alleles (0.00025%); highest among the groups gnomAD compares: Non-Finnish European, 0.00034%; no homozygotes.

Submissions (2):

Labcorp Genetics (formerly Invitae), Labcorp
Classification: Likely benign for Gorlin syndrome; Medulloblastoma. Last evaluated: 2022-03-05. Review status: criteria provided, single submitter. Criteria: Invitae Variant Classification Sherloc (09022015). Collection method: clinical testing. Allele origin: germline.

PreventionGenetics, part of Exact Sciences
Classification: Likely benign for SUFU-related condition. Last evaluated: 2023-06-13. Review status: no assertion criteria provided. Collection method: clinical testing. Allele origin: germline. Not counted in ClinVar's aggregate classification.
Comment: This variant is classified as likely benign based on ACMG/AMP sequence variant interpretation guidelines (Richards et al. 2015 PMID: 25741868, with internal and published modifications).